The following is an entry in ClinVar:

NM_001429.4(EP300):c.5184C>T (p.Gly1728=)

Gene: EP300 (E1A binding protein p300; plus strand). Cytogenetic location: 22q13.2.
Variant type: single nucleotide variant.
Coding change: c.5184C>T on transcript NM_001429.4 (MANE Select); coding-DNA position 5184, C replaced by T.
Protein change: p.Gly1728=; no amino-acid change (glycine 1728 retained).
Molecular consequence: synonymous variant.
Genome position (GRCh38, 1-based): chr22:41,176,895, C>T. VCF-style: chr22-41176895-C-T. GRCh37 (hg19) VCF-style: chr22-41572899-C-T.
Other names: c.5106C>T, p.Gly1702= (NM_001362843.2).
Identifiers: ClinVar variation 3356197 (VCV003356197.1).
Genomic context (GRCh38, chr22:41,176,895, plus strand): 5'-AGGCCTTGGCTTAGATGATGAGAGCAACAACCAGCAGGCTGCAGCCACCCAGAGCCCAGG[C>T]GATTCTCGCCGCCTGAGTATCCAGCGCTGCATCCAGTCTCTGGTCCATGCTTGCCAGTGT-3'
Protein context (NP_001420.2, residues 1718-1738): NQQAAATQSP[Gly1728=]DSRRLSIQRC

ClinVar aggregate classification (germline): Likely benign (0 of 4 stars; one submission).

Conditions:
EP300-related disorder. Also called: EP300-related disorders; EP300-related condition.

gnomAD v4.1: 5 of 1,613,986 alleles (0.00031%); highest among the groups gnomAD compares: South Asian, 0.0033%; no homozygotes.

Submission:

PreventionGenetics, part of Exact Sciences
Classification: Likely benign for EP300-related condition. Last evaluated: 2023-06-22. Review status: no assertion criteria provided. Collection method: clinical testing. Allele origin: germline.
Comment: This variant is classified as likely benign based on ACMG/AMP sequence variant interpretation guidelines (Richards et al. 2015 PMID: 25741868, with internal and published modifications).